The following is an entry in ClinVar:

ClinVar aggregate classification (germline): Uncertain significance (1 of 4 stars; one submission).

Conditions:
Neuropathy, hereditary sensory, type 2C. Also called: KIF1A-Related HSAN2 (HSAN2C); Hereditary sensory and autonomic neuropathy type IIC. Identifiers: Orphanet 970, MedGen C3280168, MONDO:0013634, OMIM 614213.
Hereditary spastic paraplegia 30. Identifiers: Orphanet 101010, MedGen C5235139, MONDO:0012476.
Intellectual disability, autosomal dominant 9 (NESCAVS). Also called: NESCAV SYNDROME; KIF1A-Related Neurodevelopmental Disorder. Identifiers: Orphanet 662367, MedGen C5393830, MONDO:0013656, OMIM 614255.

Submission:

Labcorp Genetics (formerly Invitae), Labcorp
Classification: Uncertain significance for Hereditary spastic paraplegia 30; Neuropathy, hereditary sensory, type 2C; Intellectual disability, autosomal dominant 9. Last evaluated: 2023-05-09. Review status: criteria provided, single submitter. Criteria: Invitae Variant Classification Sherloc (09022015). Collection method: clinical testing. Allele origin: germline.
Comment: In summary, the available evidence is currently insufficient to determine the role of this variant in disease. Therefore, it has been classified as a Variant of Uncertain Significance. Advanced modeling of protein sequence and biophysical properties (such as structural, functional, and spatial information, amino acid conservation, physicochemical variation, residue mobility, and thermodynamic stability) performed at Invitae indicates that this missense variant is not expected to disrupt KIF1A protein function. This variant has not been reported in the literature in individuals affected with KIF1A-related conditions. This variant is not present in population databases (gnomAD no frequency). This sequence change replaces phenylalanine, which is neutral and non-polar, with leucine, which is neutral and non-polar, at codon 1596 of the KIF1A protein (p.Phe1596Leu).

NM_001244008.2(KIF1A):c.5091C>A (p.Phe1697Leu)

Gene: KIF1A (kinesin family member 1A; minus strand). Cytogenetic location: 2q37.3.
Variant type: single nucleotide variant.
Coding change: c.5091C>A on transcript NM_001244008.2 (MANE Select); coding-DNA position 5091, C replaced by A.
Protein change: p.Phe1697Leu; replaces phenylalanine 1697 with leucine.
Molecular consequence: missense variant.
Genome position (GRCh38, 1-based): chr2:240,719,129, G>T on the plus strand (C>A on the coding strand, the complement: KIF1A is on the minus strand). VCF-style: chr2-240719129-G-T. GRCh37 (hg19) VCF-style: chr2-241658546-G-T.
Other names: c.4815C>A, p.Phe1605Leu (NM_001320705.2, NM_001379649.1); c.4842C>A, p.Phe1614Leu (NM_001330289.2); c.4890C>A, p.Phe1630Leu (NM_001330290.2, NM_001379648.1); c.5166C>A, p.Phe1722Leu (NM_001379631.1); c.5067C>A, p.Phe1689Leu (NM_001379632.1); c.5064C>A, p.Phe1688Leu (NM_001379633.1, NM_001379645.1); c.4917C>A, p.Phe1639Leu (NM_001379634.1); c.4914C>A, p.Phe1638Leu (NM_001379635.1, NM_001379646.1); and 7 more; short protein forms F1596L, F1634L, F1595L, F1604L, F1614L, F1630L, F1639L, F1689L.
Identifiers: ClinVar variation 2947576 (VCV002947576.3), dbSNP rs372903282, ClinGen allele CA68132825.